The following is an entry in ClinVar:

NM_001374736.1(DST):c.15880G>A (p.Glu5294Lys)

Gene: DST (dystonin; minus strand). Cytogenetic location: 6p12.1.
Variant type: single nucleotide variant.
Coding change: c.15880G>A on transcript NM_001374736.1 (MANE Select); coding-DNA position 15880, G replaced by A.
Protein change: p.Glu5294Lys; replaces glutamic acid 5294 with lysine.
Molecular consequence: missense variant.
Genome position (GRCh38, 1-based): chr6:56,552,912, C>T on the plus strand (G>A on the coding strand, the complement: DST is on the minus strand). VCF-style: chr6-56552912-C-T. GRCh37 (hg19) VCF-style: chr6-56417710-C-T.
Other names: c.9523G>A, p.Glu3175Lys (NM_001144769.5); c.9109G>A, p.Glu3037Lys (NM_001144770.2); c.15880G>A, p.Glu5294Lys (NM_001374722.1); c.15247G>A, p.Glu5083Lys (NM_001374729.1); c.8989G>A, p.Glu2997Lys (NM_001374730.1, NM_001386100.1, NM_183380.4); c.15907G>A, p.Glu5303Lys (NM_001374734.1); c.8011G>A, p.Glu2671Lys (NM_015548.5); short protein forms E3037K, E3175K, E2997K, E5083K, E5303K, E2671K, E5294K.
Identifiers: ClinVar variation 1376326 (VCV001376326.8), dbSNP rs2152555651, ClinGen allele CA364515589.

ClinVar aggregate classification (germline): Uncertain significance (1 of 4 stars; one submission).

Conditions:
Epidermolysis bullosa simplex 3, localized or generalized intermediate, with BP230 deficiency (EBS3). Also called: Epidermolysis bullosa simplex, autosomal recessive 2; Epidermolysis bullosa simplex due to BP230 deficiency. Identifiers: Orphanet 412181, MedGen C3809470, MONDO:0014180, OMIM 615425.
Hereditary sensory and autonomic neuropathy type 6. Also called: Neuropathy, hereditary sensory and autonomic, type VI; HSAN VI. Identifiers: Orphanet 314381, MedGen C3539003, MONDO:0013839, OMIM 614653.

Submission:

Labcorp Genetics (formerly Invitae), Labcorp
Classification: Uncertain significance for Epidermolysis bullosa simplex 3, localized or generalized intermediate, with BP230 deficiency; Hereditary sensory and autonomic neuropathy type 6. Last evaluated: 2022-02-02. Review status: criteria provided, single submitter. Criteria: Invitae Variant Classification Sherloc (09022015). Collection method: clinical testing. Allele origin: germline.
Comment: In summary, the available evidence is currently insufficient to determine the role of this variant in disease. Therefore, it has been classified as a Variant of Uncertain Significance. Experimental studies and prediction algorithms are not available or were not evaluated, and the functional significance of this variant is currently unknown. This variant has not been reported in the literature in individuals affected with DST-related conditions. This variant is not present in population databases (gnomAD no frequency). This sequence change replaces glutamic acid, which is acidic and polar, with lysine, which is basic and polar, at codon 2671 of the DST protein (p.Glu2671Lys). The DST gene has multiple clinically relevant transcripts. This variant occurs in alternate transcript NM_015548.4, and corresponds to NM_001723.5:c.*62605G>A in the primary transcript.